The following is an entry in ClinVar:

ClinVar aggregate classification (germline): Uncertain significance (1 of 4 stars; one submission).

Conditions:
Congenital lactase deficiency. Also called: DISACCHARIDE INTOLERANCE II; ALACTASIA, CONGENITAL. Identifiers: Orphanet 53690, MedGen C0268179, MONDO:0009115, OMIM 223000.

Allele frequency attached by ClinVar (database versions not stated): TOPMed 0.00002; gnomAD 0.00002.
gnomAD v4.1: 52 of 1,613,988 alleles (0.0032%); highest among the groups gnomAD compares: East Asian, 0.053%; no homozygotes.

Submission:

Baylor Genetics
Classification: Uncertain significance for Congenital lactase deficiency. Last evaluated: 2018-09-24. Review status: criteria provided, single submitter. Criteria: ACMG Guidelines, 2015. Collection method: clinical testing. Allele origin: maternal. Affected: yes.
Comment: This variant was determined to be of uncertain significance according to ACMG Guidelines, 2015 [PMID:25741868].

NM_002299.4(LCT):c.5723G>A (p.Arg1908His)

Gene: LCT (lactase; minus strand). Cytogenetic location: 2q21.3.
Variant type: single nucleotide variant.
Coding change: c.5723G>A on transcript NM_002299.4 (MANE Select); coding-DNA position 5723, G replaced by A.
Protein change: p.Arg1908His; replaces arginine 1908 with histidine.
Molecular consequence: missense variant.
Genome position (GRCh38, 1-based): chr2:135,788,385, C>T on the plus strand (G>A on the coding strand, the complement: LCT is on the minus strand). VCF-style: chr2-135788385-C-T. GRCh37 (hg19) VCF-style: chr2-136545955-C-T.
Other names: short protein forms R1908H.
Identifiers: ClinVar variation 1032814 (VCV001032814.1), dbSNP rs577825311, ClinGen allele CA1887554.